The following is an entry in ClinVar:

ClinVar aggregate classification (germline): Pathogenic (1 of 4 stars; one submission).

Submission:

Labcorp Genetics (formerly Invitae), Labcorp
Classification: Pathogenic. Last evaluated: 2025-05-27. Review status: criteria provided, single submitter. Criteria: Invitae Variant Classification Sherloc (09022015). Collection method: clinical testing. Allele origin: germline.
Comment: This sequence change creates a premature translational stop signal (p.Ser1860Lysfs*36) in the RP1 gene. While this is not anticipated to result in nonsense mediated decay, it is expected to disrupt the last 297 amino acid(s) of the RP1 protein. This variant is present in population databases (no rsID available, gnomAD 0.002%). This variant has not been reported in the literature in individuals affected with RP1-related conditions. ClinVar contains an entry for this variant (Variation ID: 970453). This variant disrupts the C-terminus of the RP1 protein. Many variants that disrupt this region have been reported in individuals with either autosomal dominant or autosomal recessive retinitis pigmentosa (PMID: 11527933, 19933189, 29425069, 30027431, 33681214). Therefore, variants that disrupt this region are expected to be disease-causing. For these reasons, this variant has been classified as Pathogenic.

Literature cited by the submitters: PubMed 11527933; PubMed 19933189; PubMed 29425069; PubMed 30027431; PubMed 33681214.

NM_006269.2(RP1):c.5578_5581del (p.Ser1860fs)

Genes: RP1 (RP1 axonemal microtubule associated; plus strand), LOC126860392 (CDK7 strongly-dependent group 2 enhancer GRCh37_chr8:55541319-55542518; plus strand). Cytogenetic location: 8q12.1.
Variant type: Microsatellite.
Coding change: c.5578_5581del on transcript NM_006269.2 (MANE Select); coding-DNA positions 5578 to 5581, 4 bases deleted (TCAG; older notation c.5578_5581delTCAG).
Protein change: p.Ser1860fs; shifts the reading frame from serine 1860.
Molecular consequence: frameshift variant. On other transcripts: intron variant (1).
Genome position (GRCh38, 1-based): chr8:54,629,460-54,629,463, TCAG deleted; deleting any 4 consecutive bases within chr8:54,629,456-54,629,463 gives the same sequence; the c. name uses the placement nearest the transcript's 3' end. VCF-style (leftmost placement, unchanged base first): chr8-54629455-ATCAG-A. GRCh37 (hg19) VCF-style: chr8-55542015-ATCAG-A.
Other names: c.787+7172_787+7175del (NM_001375654.1); short protein forms S1860fs.
Identifiers: ClinVar variation 970453 (VCV000970453.10), dbSNP rs1563333233, ClinGen allele CA582185400.